The following is an entry in ClinVar:

ClinVar aggregate classification (germline): Conflicting classifications of pathogenicity. Review status: criteria provided, conflicting classifications (1 of 4 stars). 6 submissions from 3 submitters: Uncertain significance (5); Likely benign (1). Last evaluated 2026-01-19.

Conditions:
Transitory neonatal diabetes mellitus. Also called: Transient neonatal diabetes mellitus. Identifiers: MedGen C0342273, MONDO:0020525, HP:0008255.
Maturity-onset diabetes of the young (MODY). Also called: Maturity onset diabetes mellitus in young. Identifiers: Orphanet 552, MedGen C0342276, MONDO:0018911, HP:0004904.
Hyperinsulinemic hypoglycemia, familial, 1 (HHF1). Also called: Persistent hyperinsulinemic hypoglycemia of infancy; HYPERINSULINISM, FAMILIAL, WITH PANCREATIC NESIDIOBLASTOSIS; HYPOGLYCEMIA, HYPERINSULINEMIC, OF INFANCY; NESIDIOBLASTOSIS OF PANCREAS; Persistent Hyperinsulinemia Hypoglycemia of Infancy. Identifiers: Orphanet 276575, Orphanet 276598, MedGen C2931832, MONDO:0009734, OMIM 256450.
Diabetes mellitus, transient neonatal, 2 (TNDM2). Identifiers: Orphanet 99886, MedGen C1835887, MONDO:0012480, OMIM 610374. Disease mechanism: loss of function.
Permanent neonatal diabetes mellitus (PNDM). Identifiers: Orphanet 99885, MedGen C1833104, MONDO:0100164, MONDO:0011643. Disease mechanism: gain of function.

Allele frequency attached by ClinVar (database versions not stated): gnomAD below 0.00001 and 0.00001; gnomAD exomes below 0.00001 and 0.00001; ExAC 0.00002.
gnomAD v4.1: 6 of 1,614,098 alleles (0.00037%); highest among the groups gnomAD compares: South Asian, 0.0022%; no homozygotes.

Submissions (6):

Labcorp Genetics (formerly Invitae), Labcorp
Classification: Likely benign. Last evaluated: 2026-01-19. Review status: criteria provided, single submitter. Criteria: Invitae Variant Classification Sherloc (09022015). Collection method: clinical testing. Allele origin: germline.

Illumina Laboratory Services, Illumina
Classification: Uncertain significance for Permanent neonatal diabetes mellitus 1. Last evaluated: 2018-01-13. Review status: criteria provided, single submitter. Criteria: ICSL Variant Classification Criteria 13 December 2019. Collection method: clinical testing. Allele origin: germline.

Illumina Laboratory Services, Illumina
Classification: Uncertain significance for Hyperinsulinemic hypoglycemia, familial, 1. Last evaluated: 2018-01-13. Review status: criteria provided, single submitter. Criteria: ICSL Variant Classification Criteria 13 December 2019. Collection method: clinical testing. Allele origin: germline.

Illumina Laboratory Services, Illumina
Classification: Uncertain significance for Diabetes mellitus, transient neonatal, 2. Last evaluated: 2018-01-13. Review status: criteria provided, single submitter. Criteria: ICSL Variant Classification Criteria 13 December 2019. Collection method: clinical testing. Allele origin: germline.

Clinical Genomics, Uppaluri K&H Personalized Medicine Clinic
Classification: Uncertain significance for Maturity-onset diabetes of the young. Review status: criteria provided, single submitter. Criteria: K & H Uppaluri Personalized Medicine Clinic Variant Classification & Assertion Criteria_Updated V.1. Collection method: research. Allele origin: somatic. Inheritance: Somatic mutation.
Comment: Mutations in ABCC8 gene are associated with both neonatal diabetes mellitus as well as MODY. Patients with this mutation may have a better response to sulfonylureas. However, no sufficient evidence is found to ascertain the role of this particular variant (rs780203284) in MODY yet.

Clinical Genomics, Uppaluri K&H Personalized Medicine Clinic
Classification: Uncertain significance for Transitory neonatal diabetes mellitus. Review status: criteria provided, single submitter. Criteria: K & H Uppaluri Personalized Medicine Clinic Variant Classification & Assertion Criteria_Updated V.1. Collection method: research. Allele origin: somatic. Inheritance: Somatic mutation.
Comment: Mutations in ABCC8 gene are associated with both neonatal diabetes mellitus as well as MODY. Patients with this mutation may have a better response to sulfonylureas. However, no sufficient evidence is found to ascertain the role of this particular variant (rs780203284) in neonatal diabetes yet.

Literature cited by the submitters: PubMed 16885549 (cited by Clinical Genomics, Uppaluri K&H Personalized Medicine Clinic); PubMed 21989597 (cited by Clinical Genomics, Uppaluri K&H Personalized Medicine Clinic); PubMed 27538677 (cited by Clinical Genomics, Uppaluri K&H Personalized Medicine Clinic); PubMed 18981553 (cited by Clinical Genomics, Uppaluri K&H Personalized Medicine Clinic); PubMed 32027066 (cited by Clinical Genomics, Uppaluri K&H Personalized Medicine Clinic); PubMed 16613899 (cited by Clinical Genomics, Uppaluri K&H Personalized Medicine Clinic); PubMed 18025408 (cited by Clinical Genomics, Uppaluri K&H Personalized Medicine Clinic); PubMed 32792356 (cited by Clinical Genomics, Uppaluri K&H Personalized Medicine Clinic).

NM_000352.6(ABCC8):c.4605C>T (p.Ile1535=)

Gene: ABCC8 (ATP binding cassette subfamily C member 8; minus strand). Cytogenetic location: 11p15.1.
Variant type: single nucleotide variant.
Coding change: c.4605C>T on transcript NM_000352.6 (MANE Select); coding-DNA position 4605, C replaced by T.
Protein change: p.Ile1535=; no amino-acid change (isoleucine 1535 retained).
Molecular consequence: synonymous variant. On other transcripts: non-coding transcript variant (1).
Genome position (GRCh38, 1-based): chr11:17,393,700, G>A on the plus strand (C>T on the coding strand, the complement: ABCC8 is on the minus strand). VCF-style: chr11-17393700-G-A. GRCh37 (hg19) VCF-style: chr11-17415247-G-A.
Other names: c.4608C>T, p.Ile1536= (NM_001287174.3); c.4671C>T, p.Ile1557= (NM_001351295.2); c.4605C>T, p.Ile1535= (NM_001351296.2); c.4602C>T, p.Ile1534= (NM_001351297.2).
Identifiers: ClinVar variation 303749 (VCV000303749.14), dbSNP rs780203284, ClinGen allele CA5902423.
Genomic context (GRCh38, chr11:17,393,700, plus strand): 5'-CAACAGGCCAGTCCTGTCCCTGGGTGTCCCTCTGCACCCCATCAATGGGCCCCTTACCGC[G>A]ATGGTGACCACAGTGCGGTCTGCGAAGGCTGTCATCACCACCTTTTGGAGGATGTTTTCC-3'
Protein context (NP_000343.2, residues 1525-1545): TAFADRTVVT[Ile1535=]AHRVHTILSA